The following is an entry in ClinVar:

ClinVar aggregate classification (germline): Pathogenic (1 of 4 stars; one submission).

Conditions:
Sandhoff disease. Also called: Beta-hexosaminidase-beta-subunit deficiency; GM2 gangliosidosis, type 2; Total hexosaminidase deficiency; Sandhoff-Jatzkewitz-Pilz disease; GM2-GANGLIOSIDOSIS, TYPE II; HEXOSAMINIDASES A AND B DEFICIENCY. Identifiers: Orphanet 796, MedGen C0036161, MONDO:0010006, OMIM 268800.

Submission:

Labcorp Genetics (formerly Invitae), Labcorp
Classification: Pathogenic for Sandhoff disease. Last evaluated: 2022-03-03. Review status: criteria provided, single submitter. Criteria: Invitae Variant Classification Sherloc (09022015). Collection method: clinical testing. Allele origin: germline.
Comment: This sequence change creates a premature translational stop signal (p.Leu306Aspfs*6) in the HEXB gene. It is expected to result in an absent or disrupted protein product. Loss-of-function variants in HEXB are known to be pathogenic (PMID: 7550345, 18758829). This variant is not present in population databases (gnomAD no frequency). This variant has not been reported in the literature in individuals affected with HEXB-related conditions. For these reasons, this variant has been classified as Pathogenic.

Literature cited by the submitters: PubMed 7550345; PubMed 18758829.

NM_000521.4(HEXB):c.916_917del (p.Leu306fs)

Gene: HEXB (hexosaminidase subunit beta; plus strand). Cytogenetic location: 5q13.3.
Variant type: Deletion.
Coding change: c.916_917del on transcript NM_000521.4 (MANE Select); coding-DNA positions 916 to 917, 2 bases deleted (CT; older notation c.916_917delCT).
Protein change: p.Leu306fs; shifts the reading frame from leucine 306.
Molecular consequence: frameshift variant.
Genome position (GRCh38, 1-based): chr5:74,715,524-74,715,525, CT deleted. VCF-style (leftmost placement, unchanged base first): chr5-74715523-CCT-C. GRCh37 (hg19) VCF-style: chr5-74011348-CCT-C.
Other names: c.241_242del, p.Leu81fs (NM_001292004.2); short protein forms L306fs, L81fs.
Identifiers: ClinVar variation 1398058 (VCV001398058.6), dbSNP rs2112174996, ClinGen allele CA2573139791.